The following is an entry in ClinVar:

NM_018192.4(P3H2):c.1726del (p.Ser576fs)

Gene: P3H2 (prolyl 3-hydroxylase 2; minus strand). Cytogenetic location: 3q28.
Variant type: Deletion.
Coding change: c.1726del on transcript NM_018192.4 (MANE Select); coding-DNA position 1726, one base deleted (A; older notation c.1726delA).
Protein change: p.Ser576fs; shifts the reading frame from serine 576.
Molecular consequence: frameshift variant.
Genome position (GRCh38, 1-based): chr3:189,971,981, T deleted on the plus strand (A on the coding strand, the reverse complement: P3H2 is on the minus strand). VCF-style (leftmost placement, unchanged base first): chr3-189971980-CT-C. GRCh37 (hg19) VCF-style: chr3-189689769-CT-C.
Other names: c.1726del (NM_018192.3); c.1183del, p.Ser395fs (NM_001134418.2); short protein forms S576fs, S395fs.
Identifiers: ClinVar variation 424203 (VCV000424203.9), dbSNP rs767012332, ClinGen allele CA2752795.

ClinVar aggregate classification (germline): Pathogenic/Likely pathogenic. Review status: criteria provided, multiple submitters, no conflicts (2 of 4 stars). 3 submissions from 3 submitters: Pathogenic (2); Likely pathogenic (1). Last evaluated 2025-08-18.

Conditions:
P3H2-related disorders.

Allele frequency attached by ClinVar (database versions not stated): gnomAD exomes 0.00001 and 0.00002; ExAC 0.00002; gnomAD 0.00002; TOPMed 0.00003; ESP Exome Variant Server 0.00016.

Submissions (3):

Labcorp Genetics (formerly Invitae), Labcorp
Classification: Pathogenic. Last evaluated: 2025-08-18. Review status: criteria provided, single submitter. Criteria: Invitae Variant Classification Sherloc (09022015). Collection method: clinical testing. Allele origin: germline.
Comment: This sequence change creates a premature translational stop signal (p.Ser576Valfs*36) in the P3H2 gene. It is expected to result in an absent or disrupted protein product. Loss-of-function variants in P3H2 are known to be pathogenic (PMID: 24172257, 25469533). This variant is present in population databases (rs767012332, gnomAD 0.007%). This variant has not been reported in the literature in individuals affected with P3H2-related conditions. ClinVar contains an entry for this variant (Variation ID: 424203). For these reasons, this variant has been classified as Pathogenic.

Blueprint Genetics
Classification: Likely pathogenic for P3H2-related disorders. Last evaluated: 2022-06-02. Review status: criteria provided, single submitter. Criteria: ACMG Guidelines, 2015. Collection method: clinical testing. Allele origin: germline. Affected: yes. Observed: 2 variant alleles.

GeneDx
Classification: Pathogenic. Last evaluated: 2019-09-17. Review status: criteria provided, single submitter. Criteria: GeneDx Variant Classification Process June 2021. Collection method: clinical testing. Allele origin: germline. Affected: yes.
Comment: Frameshift variant predicted to result in protein truncation or nonsense mediated decay in a gene for which loss-of-function is a known mechanism of disease; Not observed at a significant frequency in large population cohorts (Lek et al., 2016); Has not been previously published as pathogenic or benign to our knowledge

Literature cited by the submitters: PubMed 24172257 (cited by Labcorp Genetics (formerly Invitae), Labcorp); PubMed 25469533 (cited by Labcorp Genetics (formerly Invitae), Labcorp).